The following is an entry in ClinVar:

ClinVar aggregate classification (germline): Likely benign. Review status: criteria provided, single submitter (1 of 4 stars). 2 submissions from 2 submitters: Likely benign (1). 1 of the submissions does not count toward it. Last evaluated 2021-05-05.

Conditions:
CAVIN4-related disorder. Also called: CAVIN4-related condition.

Allele frequency attached by ClinVar (database versions not stated): 1000 Genomes Project 30x 0.00016; 1000 Genomes Project 0.00020; ESP Exome Variant Server 0.00023; ExAC 0.00026; TOPMed 0.00032; gnomAD exomes 0.00064.
gnomAD v4.1: 969 of 1,614,160 alleles (0.06%); highest among the groups gnomAD compares: Non-Finnish European, 0.078%; no homozygotes.

Submissions (2):

GeneDx
Classification: Likely benign. Last evaluated: 2021-05-05. Review status: criteria provided, single submitter. Criteria: GeneDx Variant Classification Process June 2021. Collection method: clinical testing. Allele origin: germline. Affected: yes.

PreventionGenetics, part of Exact Sciences
Classification: Likely benign for CAVIN4-related condition. Last evaluated: 2024-07-18. Review status: no assertion criteria provided. Collection method: clinical testing. Allele origin: germline. Not counted in ClinVar's aggregate classification.
Comment: This variant is classified as likely benign based on ACMG/AMP sequence variant interpretation guidelines (Richards et al. 2015 PMID: 25741868, with internal and published modifications).

NM_001018116.2(CAVIN4):c.684G>A (p.Pro228=)

Gene: CAVIN4 (caveolae associated protein 4; plus strand). Cytogenetic location: 9q31.1.
Variant type: single nucleotide variant.
Coding change: c.684G>A on transcript NM_001018116.2 (MANE Select); coding-DNA position 684, G replaced by A.
Protein change: p.Pro228=; no amino-acid change (proline 228 retained).
Molecular consequence: synonymous variant.
Genome position (GRCh38, 1-based): chr9:100,586,040, G>A. VCF-style: chr9-100586040-G-A. GRCh37 (hg19) VCF-style: chr9-103348322-G-A.
Identifiers: ClinVar variation 1195515 (VCV001195515.3), dbSNP rs148428476, ClinGen allele CA5160130.